The following is an entry in ClinVar:

ClinVar aggregate classification (germline): Uncertain significance (1 of 4 stars; one submission).

Conditions:
Fanconi anemia (FA). Also called: Fanconi's anemia. Identifiers: Orphanet 84, MedGen C0015625, MeSH D005199, MONDO:0019391.

Allele frequency attached by ClinVar (database versions not stated): gnomAD exomes below 0.00001.
gnomAD v4.1: 1 of 1,613,900 alleles (0.000062%); highest among the groups gnomAD compares: Non-Finnish European, 0.000085%; no homozygotes.

Submission:

Labcorp Genetics (formerly Invitae), Labcorp
Classification: Uncertain significance for Fanconi anemia. Last evaluated: 2022-02-05. Review status: criteria provided, single submitter. Criteria: Invitae Variant Classification Sherloc (09022015). Collection method: clinical testing. Allele origin: germline.
Comment: In summary, the available evidence is currently insufficient to determine the role of this variant in disease. Therefore, it has been classified as a Variant of Uncertain Significance. Algorithms developed to predict the effect of missense changes on protein structure and function (SIFT, PolyPhen-2, Align-GVGD) all suggest that this variant is likely to be tolerated. ClinVar contains an entry for this variant (Variation ID: 1040826). This variant has not been reported in the literature in individuals affected with FANCM-related conditions. This variant is not present in population databases (gnomAD no frequency). This sequence change replaces glutamic acid, which is acidic and polar, with valine, which is neutral and non-polar, at codon 207 of the FANCM protein (p.Glu207Val).

NM_020937.4(FANCM):c.620A>T (p.Glu207Val)

Gene: FANCM (FA complementation group M; plus strand). Cytogenetic location: 14q21.2.
Variant type: single nucleotide variant.
Coding change: c.620A>T on transcript NM_020937.4 (MANE Select); coding-DNA position 620, A replaced by T.
Protein change: p.Glu207Val; replaces glutamic acid 207 with valine.
Molecular consequence: missense variant.
Genome position (GRCh38, 1-based): chr14:45,137,180, A>T. VCF-style: chr14-45137180-A-T. GRCh37 (hg19) VCF-style: chr14-45606383-A-T.
Other names: c.620A>T, p.Glu207Val (NM_001308133.2, NM_001308134.2); short protein forms E207V.
Identifiers: ClinVar variation 1040826 (VCV001040826.8), dbSNP rs1885580819, ClinGen allele CA389588844.
Genomic context (GRCh38, chr14:45,137,180, plus strand): 5'-TTTTTCTTACACCTCAGGTCATGGTAAATGACCTTTCTAGAGGAGCTTGTCCCGCTGCTG[A>T]AATAAAGTGTTTAGTTATTGATGAAGCTCATAAAGCTCTCGGAAACTATGCTTATTGCCA-3'
Protein context (NP_065988.1, residues 197-217): DLSRGACPAA[Glu207Val]IKCLVIDEAH